The following is an entry in ClinVar:

NM_005359.6(SMAD4):c.905-16G>A

Gene: SMAD4 (SMAD family member 4; plus strand). Cytogenetic location: 18q21.2.
Variant type: single nucleotide variant.
Coding change: c.905-16G>A on transcript NM_005359.6 (MANE Select); 16 bases into the intron before coding-DNA position 905, G replaced by A.
Molecular consequence: intron variant.
Genome position (GRCh38, 1-based): chr18:51,059,850, G>A. VCF-style: chr18-51059850-G-A. GRCh37 (hg19) VCF-style: chr18-48586220-G-A.
Identifiers: ClinVar variation 1576250 (VCV001576250.9), dbSNP rs968227540, ClinGen allele CA300087352.

ClinVar aggregate classification (germline): Likely benign. Review status: criteria provided, multiple submitters, no conflicts (2 of 4 stars). 2 submissions from 2 submitters: Likely benign (2). Last evaluated 2025-04-11.

Conditions:
Juvenile polyposis syndrome (JPS). Identifiers: Orphanet 2929, MedGen C0345893, MONDO:0017380, OMIM 174900.
Juvenile polyposis/hereditary hemorrhagic telangiectasia syndrome (JPHT). Also called: Juvenile Polyposis Syndrome / Hereditary Hemorrhagic Telangiectasia (JPS/HHT); JP/HHT SYNDROME; JUVENILE POLYPOSIS WITH HEREDITARY HEMORRHAGIC TELANGIECTASIA; POLYPOSIS, GENERALIZED JUVENILE, WITH PULMONARY ARTERIOVENOUS MALFORMATION; TELANGIECTASIA, HEREDITARY HEMORRHAGIC, WITH JUVENILE POLYPOSIS COLI. Identifiers: Orphanet 2929, MedGen C1832942, MONDO:0008278, OMIM 175050.

Allele frequency attached by ClinVar (database versions not stated): gnomAD exomes below 0.00001.
gnomAD v4.1: 3 of 1,604,864 alleles (0.00019%); highest among the groups gnomAD compares: African/African-American, 0.0027%; no homozygotes.

Submissions (2):

Labcorp Genetics (formerly Invitae), Labcorp
Classification: Likely benign for Juvenile polyposis syndrome. Last evaluated: 2025-04-11. Review status: criteria provided, single submitter. Criteria: Invitae Variant Classification Sherloc (09022015). Collection method: clinical testing. Allele origin: germline.

Myriad Genetics, Inc.
Classification: Likely benign for Juvenile polyposis/hereditary hemorrhagic telangiectasia syndrome. Last evaluated: 2025-03-20. Review status: criteria provided, single submitter. Criteria: Myriad Autosomal Dominant, Autosomal Recessive and X-Linked Classification Criteria (2023). Collection method: clinical testing. Allele origin: unknown.
Comment: This variant is considered likely benign. This variant is intronic and is not expected to impact mRNA splicing.